The following is an entry in ClinVar:

ClinVar aggregate classification (germline): Uncertain significance. Review status: criteria provided, multiple submitters, no conflicts (2 of 4 stars). 2 submissions from 2 submitters: Uncertain significance (2). Last evaluated 2024-02-07.

Conditions:
Hereditary cancer-predisposing syndrome. Also called: Hereditary Cancer Syndrome; Hereditary neoplastic syndrome; Tumor predisposition; Neoplastic Syndromes, Hereditary. Identifiers: Orphanet 140162, MedGen C0027672, MeSH D009386, MONDO:0015356.

Submissions (2):

Ambry Genetics
Classification: Uncertain significance for Hereditary cancer-predisposing syndrome. Last evaluated: 2024-02-07. Review status: criteria provided, single submitter. Criteria: Ambry Variant Classification Scheme 2023. Collection method: clinical testing. Allele origin: germline.
Comment: The p.S24T variant (also known as c.70T>A), located in coding exon 1 of the FH gene, results from a T to A substitution at nucleotide position 70. The serine at codon 24 is replaced by threonine, an amino acid with similar properties. This amino acid position is conserved on limited sequence alignment. In addition, this alteration is predicted to be tolerated by in silico analysis. Based on the available evidence, the clinical significance of this alteration remains unclear.

Labcorp Genetics (formerly Invitae), Labcorp
Classification: Uncertain significance. Last evaluated: 2022-06-10. Review status: criteria provided, single submitter. Criteria: Invitae Variant Classification Sherloc (09022015). Collection method: clinical testing. Allele origin: germline.
Comment: In summary, the available evidence is currently insufficient to determine the role of this variant in disease. Therefore, it has been classified as a Variant of Uncertain Significance. Advanced modeling of protein sequence and biophysical properties (such as structural, functional, and spatial information, amino acid conservation, physicochemical variation, residue mobility, and thermodynamic stability) performed at Invitae indicates that this missense variant is not expected to disrupt FH protein function. This variant has not been reported in the literature in individuals affected with FH-related conditions. This variant is not present in population databases (gnomAD no frequency). This sequence change replaces serine, which is neutral and polar, with threonine, which is neutral and polar, at codon 24 of the FH protein (p.Ser24Thr).

NM_000143.4(FH):c.70T>A (p.Ser24Thr)

Gene: FH (fumarate hydratase; minus strand). Cytogenetic location: 1q43.
Variant type: single nucleotide variant.
Coding change: c.70T>A on transcript NM_000143.4 (MANE Select); coding-DNA position 70, T replaced by A.
Protein change: p.Ser24Thr; replaces serine 24 with threonine.
Molecular consequence: missense variant.
Genome position (GRCh38, 1-based): chr1:241,519,653, A>T on the plus strand (T>A on the coding strand, the complement: FH is on the minus strand). VCF-style: chr1-241519653-A-T. GRCh37 (hg19) VCF-style: chr1-241682953-A-T.
Other names: short protein forms S24T.
Identifiers: ClinVar variation 1960929 (VCV001960929.6), dbSNP rs2527345375, ClinGen allele CA345442836.